The following is an entry in ClinVar:

ClinVar aggregate classification (germline): Pathogenic (1 of 4 stars; one submission).

Submission:

CeGaT Center for Human Genetics Tuebingen
Classification: Pathogenic. Last evaluated: 2022-07-01. Review status: criteria provided, single submitter. Criteria: CeGaT Center For Human Genetics Tuebingen Variant Classification Criteria Version 2. Collection method: clinical testing. Allele origin: germline. Affected: yes. Observed: 1 variant allele.
Comment: SPG11: PVS1, PM2

NM_025137.4(SPG11):c.227del (p.Gly76fs)

Gene: SPG11 (SPG11 vesicle trafficking associated, spatacsin; minus strand). Cytogenetic location: 15q21.1.
Variant type: Deletion.
Coding change: c.227del on transcript NM_025137.4 (MANE Select); coding-DNA position 227, one base deleted (G; older notation c.227delG).
Protein change: p.Gly76fs; shifts the reading frame from glycine 76.
Molecular consequence: frameshift variant.
Genome position (GRCh38, 1-based): chr15:44,663,421, C deleted on the plus strand (G on the coding strand, the reverse complement: SPG11 is on the minus strand); the first of 5 consecutive C bases (chr15:44,663,421-44,663,425); deleting any one gives the same sequence. VCF-style (leftmost placement, unchanged base first): chr15-44663420-AC-A. GRCh37 (hg19) VCF-style: chr15-44955618-AC-A.
Other names: c.227del, p.Gly76fs (NM_001160227.2, NM_001411132.1); short protein forms G76fs.
Identifiers: ClinVar variation 2645285 (VCV002645285.24), dbSNP rs1488708341, ClinGen allele CA2628209966.